The following is an entry in ClinVar:

ClinVar aggregate classification (germline): Pathogenic (1 of 4 stars; one submission).

Conditions:
Hereditary cancer-predisposing syndrome. Also called: Neoplastic Syndromes, Hereditary; Hereditary Cancer Syndrome; Hereditary neoplastic syndrome; Tumor predisposition. Identifiers: Orphanet 140162, MedGen C0027672, MeSH D009386, MONDO:0015356.

Submission:

Ambry Genetics
Classification: Pathogenic for Hereditary cancer-predisposing syndrome. Last evaluated: 2016-07-13. Review status: criteria provided, single submitter. Criteria: Ambry Variant Classification Scheme 2023. Collection method: clinical testing. Allele origin: germline.
Comment: The c.1358dupC pathogenic mutation, located in coding exon 9 of the ATM gene, results from a duplication of C at nucleotide position 1358, causing a translational frameshift with a predicted alternate stop codon (p.Y454Ifs*33). This alteration is expected to result in loss of function by premature protein truncation or nonsense-mediated mRNA decay. As such, this alteration is interpreted as a disease-causing mutation.

NM_000051.4(ATM):c.1358dup (p.Tyr454fs)

Gene: ATM (ATM serine/threonine kinase; plus strand). Cytogenetic location: 11q22.3.
Variant type: Duplication.
Coding change: c.1358dup on transcript NM_000051.4 (MANE Select); coding-DNA position 1358, one base duplicated (C; older notation c.1358dupC).
Protein change: p.Tyr454fs; shifts the reading frame from tyrosine 454.
Molecular consequence: frameshift variant.
Genome position (GRCh38, 1-based): chr11:108,250,823, C duplicated; the last of 2 consecutive C bases (chr11:108,250,822-108,250,823); duplicating either gives the same sequence. VCF-style (leftmost placement, unchanged base first): chr11-108250821-A-AC. GRCh37 (hg19) VCF-style: chr11-108121548-A-AC.
Other names: c.1358dup, p.Tyr454fs (NM_001351834.2); c.1358dupC (NM_000051.3); short protein forms Y454fs.
Identifiers: ClinVar variation 479013 (VCV000479013.5), dbSNP rs1555070805, ClinGen allele CA658656141.